The following is an entry in ClinVar:

NM_003072.5(SMARCA4):c.1179C>T (p.Ala393=)

Gene: SMARCA4 (SWI/SNF related BAF chromatin remodeling complex subunit ATPase 4; plus strand). Cytogenetic location: 19p13.2.
Variant type: single nucleotide variant.
Coding change: c.1179C>T on transcript NM_003072.5 (MANE Select); coding-DNA position 1179, C replaced by T.
Protein change: p.Ala393=; no amino-acid change (alanine 393 retained).
Molecular consequence: synonymous variant. On other transcripts: non-coding transcript variant (1).
Genome position (GRCh38, 1-based): chr19:10,989,377, C>T. VCF-style: chr19-10989377-C-T. GRCh37 (hg19) VCF-style: chr19-11100053-C-T.
Other names: c.1179C>T, p.Ala393= (NM_001128844.3, NM_001128845.2, NM_001128846.2 and 5 more transcripts).
Identifiers: ClinVar variation 415166 (VCV000415166.20), dbSNP rs373168068, ClinGen allele CA9203712.

ClinVar aggregate classification (germline): Benign/Likely benign. Review status: criteria provided, multiple submitters, no conflicts (2 of 4 stars). 5 submissions from 5 submitters: Benign (1); Likely benign (3). 1 of the submissions does not count toward it. Last evaluated 2026-07-09.

Conditions:
SMARCA4-related disorder. Also called: SMARCA4-related condition.
Rhabdoid tumor predisposition syndrome 2 (RTPS2). Identifiers: Orphanet 231108, Orphanet 69077, MedGen C2750074, MONDO:0013224, OMIM 613325.
Hereditary cancer-predisposing syndrome. Also called: Hereditary Cancer Syndrome; Hereditary neoplastic syndrome; Neoplastic Syndromes, Hereditary; Tumor predisposition. Identifiers: Orphanet 140162, MedGen C0027672, MeSH D009386, MONDO:0015356.

Allele frequency attached by ClinVar (database versions not stated): ExAC 0.00001; gnomAD 0.00001 and 0.00002; ESP Exome Variant Server 0.00008; TOPMed 0.00002; gnomAD exomes 0.00001 and 0.00002.
gnomAD v4.1: 32 of 1,614,000 alleles (0.002%); highest among the groups gnomAD compares: South Asian, 0.0044%; no homozygotes.

Submissions (5):

Myriad Genetics, Inc.
Classification: Benign for Rhabdoid tumor predisposition syndrome 2. Last evaluated: 2026-07-09. Review status: criteria provided, single submitter. Criteria: Myriad Autosomal Dominant, Autosomal Recessive and X-Linked Classification Criteria (2023). Collection method: clinical testing. Allele origin: unknown.
Comment: This variant is considered benign. This variant is a silent/synonymous amino acid change and it is not expected to impact splicing.

Labcorp Genetics (formerly Invitae), Labcorp
Classification: Likely benign for Rhabdoid tumor predisposition syndrome 2. Last evaluated: 2026-02-03. Review status: criteria provided, single submitter. Criteria: Invitae Variant Classification Sherloc (09022015). Collection method: clinical testing. Allele origin: germline.

Blueprint Genetics
Classification: Likely benign. Last evaluated: 2022-03-15. Review status: criteria provided, single submitter. Criteria: ACMG Guidelines, 2015. Collection method: clinical testing. Allele origin: germline.

Ambry Genetics
Classification: Likely benign for Hereditary cancer-predisposing syndrome. Last evaluated: 2016-10-12. Review status: criteria provided, single submitter. Criteria: Ambry Variant Classification Scheme 2023. Collection method: clinical testing. Allele origin: germline.

PreventionGenetics, part of Exact Sciences
Classification: Likely benign for SMARCA4-related condition. Last evaluated: 2023-10-04. Review status: no assertion criteria provided. Collection method: clinical testing. Allele origin: germline. Not counted in ClinVar's aggregate classification.
Comment: This variant is classified as likely benign based on ACMG/AMP sequence variant interpretation guidelines (Richards et al. 2015 PMID: 25741868, with internal and published modifications).